The following is an entry in ClinVar:

ClinVar aggregate classification (germline): Uncertain significance. Review status: criteria provided, multiple submitters, no conflicts (2 of 4 stars). 2 submissions from 2 submitters: Uncertain significance (2). Last evaluated 2025-04-21.

Allele frequency attached by ClinVar (database versions not stated): gnomAD 0.00001; ExAC 0.00002; TOPMed 0.00004.
gnomAD v4.1: 85 of 1,613,938 alleles (0.0053%); highest among the groups gnomAD compares: Middle Eastern, 0.016%; no homozygotes.

Submissions (2):

Ambry Genetics
Classification: Uncertain significance. Last evaluated: 2025-04-21. Review status: criteria provided, single submitter. Criteria: Ambry Variant Classification Scheme 2023. Collection method: clinical testing. Allele origin: germline.

Labcorp Genetics (formerly Invitae), Labcorp
Classification: Uncertain significance. Last evaluated: 2023-02-18. Review status: criteria provided, single submitter. Criteria: Invitae Variant Classification Sherloc (09022015). Collection method: clinical testing. Allele origin: germline.
Comment: This sequence change replaces alanine, which is neutral and non-polar, with threonine, which is neutral and polar, at codon 75 of the SULF1 protein (p.Ala75Thr). This variant is present in population databases (rs746268118, gnomAD 0.007%). This variant has not been reported in the literature in individuals affected with SULF1-related conditions. An algorithm developed to predict the effect of missense changes on protein structure and function (PolyPhen-2) suggests that this variant is likely to be tolerated. In summary, the available evidence is currently insufficient to determine the role of this variant in disease. Therefore, it has been classified as a Variant of Uncertain Significance.

NM_001128205.2(SULF1):c.223G>A (p.Ala75Thr)

Gene: SULF1 (sulfatase 1; plus strand). Cytogenetic location: 8q13.2.
Variant type: single nucleotide variant.
Coding change: c.223G>A on transcript NM_001128205.2 (MANE Select); coding-DNA position 223, G replaced by A.
Protein change: p.Ala75Thr; replaces alanine 75 with threonine.
Molecular consequence: missense variant. On other transcripts: 5 prime UTR variant (3), non-coding transcript variant (6).
Genome position (GRCh38, 1-based): chr8:69,576,020, G>A. VCF-style: chr8-69576020-G-A. GRCh37 (hg19) VCF-style: chr8-70488255-G-A.
Other names: c.223G>A (NM_001128205.1); c.223G>A, p.Ala75Thr (NM_001128204.2, NM_001128206.2, NM_001412828.1 and 19 more transcripts); c.37G>A, p.Ala13Thr (NM_001412841.1, NM_001412842.1); c.-304G>A (NM_001412844.1, NM_001412845.1); c.-1479G>A (NM_001412846.1); short protein forms A75T, A13T.
Identifiers: ClinVar variation 2714765 (VCV002714765.4), dbSNP rs746268118, ClinGen allele CA4775525.